The following is an entry in ClinVar:

NM_138691.3(TMC1):c.1265C>A (p.Thr422Lys)

Gene: TMC1 (transmembrane channel like 1; plus strand). Cytogenetic location: 9q21.13.
Variant type: single nucleotide variant.
Coding change: c.1265C>A on transcript NM_138691.3 (MANE Select); coding-DNA position 1265, C replaced by A.
Protein change: p.Thr422Lys; replaces threonine 422 with lysine.
Molecular consequence: missense variant.
Genome position (GRCh38, 1-based): chr9:72,791,926, C>A. VCF-style: chr9-72791926-C-A. GRCh37 (hg19) VCF-style: chr9-75406842-C-A.
Other names: short protein forms T422K.
Identifiers: ClinVar variation 505210 (VCV000505210.7), dbSNP rs868082421, ClinGen allele CA373505953.

ClinVar aggregate classification (germline): Uncertain significance. Review status: criteria provided, multiple submitters, no conflicts (2 of 4 stars). 2 submissions from 2 submitters: Uncertain significance (2). Last evaluated 2024-06-03.

Submissions (2):

Labcorp Genetics (formerly Invitae), Labcorp
Classification: Uncertain significance. Last evaluated: 2024-06-03. Review status: criteria provided, single submitter. Criteria: Invitae Variant Classification Sherloc (09022015). Collection method: clinical testing. Allele origin: germline.
Comment: This sequence change replaces threonine, which is neutral and polar, with lysine, which is basic and polar, at codon 422 of the TMC1 protein (p.Thr422Lys). This variant is not present in population databases (gnomAD no frequency). This missense change has been observed in individual(s) with autosomal dominant deafness (PMID: 33824189). It has also been observed to segregate with disease in related individuals. ClinVar contains an entry for this variant (Variation ID: 505210). Advanced modeling of protein sequence and biophysical properties (such as structural, functional, and spatial information, amino acid conservation, physicochemical variation, residue mobility, and thermodynamic stability) has been performed at Invitae for this missense variant, however the output from this modeling did not meet the statistical confidence thresholds required to predict the impact of this variant on TMC1 protein function. Experimental studies have shown that this missense change affects TMC1 function (PMID: 33824189). In summary, the available evidence is currently insufficient to determine the role of this variant in disease. Therefore, it has been classified as a Variant of Uncertain Significance.

Laboratory for Molecular Medicine, Mass General Brigham Personalized Medicine
Classification: Uncertain significance. Last evaluated: 2016-10-04. Review status: criteria provided, single submitter. Criteria: LMM Criteria. Collection method: clinical testing. Allele origin: germline. Observed: 3 variant alleles.
Comment: Variant classified as Uncertain Significance - Favor Pathogenic. This variant has not been identified in large population studies. Computational prediction tools and cons ervation analyses do not provide strong support for or against an impact to the protein. In summary, while there is some suspicion for a pathogenic role, the cl inical significance of this variant is uncertain.

Literature cited by the submitters: PubMed 33824189 (cited by Labcorp Genetics (formerly Invitae), Labcorp).